The following is an entry in ClinVar:

ClinVar aggregate classification (germline): Uncertain significance. Review status: criteria provided, multiple submitters, no conflicts (2 of 4 stars). 2 submissions from 2 submitters: Uncertain significance (2). Last evaluated 2025-04-12.

Allele frequency attached by ClinVar (database versions not stated): gnomAD exomes 0.00001; TOPMed 0.00002.
gnomAD v4.1: 10 of 1,614,074 alleles (0.00062%); highest among the groups gnomAD compares: Non-Finnish European, 0.00085%; no homozygotes.

Submissions (2):

Ambry Genetics
Classification: Uncertain significance. Last evaluated: 2025-04-12. Review status: criteria provided, single submitter. Criteria: Ambry Variant Classification Scheme 2023. Collection method: clinical testing. Allele origin: germline.

Labcorp Genetics (formerly Invitae), Labcorp
Classification: Uncertain significance. Last evaluated: 2024-09-06. Review status: criteria provided, single submitter. Criteria: Invitae Variant Classification Sherloc (09022015). Collection method: clinical testing. Allele origin: germline.
Comment: This sequence change replaces alanine, which is neutral and non-polar, with threonine, which is neutral and polar, at codon 901 of the ADGRB2 protein (p.Ala901Thr). This variant is not present in population databases (gnomAD no frequency). This variant has not been reported in the literature in individuals affected with ADGRB2-related conditions. ClinVar contains an entry for this variant (Variation ID: 1465861). An algorithm developed to predict the effect of missense changes on protein structure and function (PolyPhen-2) suggests that this variant is likely to be tolerated. In summary, the available evidence is currently insufficient to determine the role of this variant in disease. Therefore, it has been classified as a Variant of Uncertain Significance.

NM_001364857.2(ADGRB2):c.2701G>A (p.Ala901Thr)

Gene: ADGRB2 (adhesion G protein-coupled receptor B2; minus strand). Cytogenetic location: 1p35.2.
Variant type: single nucleotide variant.
Coding change: c.2701G>A on transcript NM_001364857.2 (MANE Select); coding-DNA position 2701, G replaced by A.
Protein change: p.Ala901Thr; replaces alanine 901 with threonine.
Molecular consequence: missense variant.
Genome position (GRCh38, 1-based): chr1:31,738,271, C>T on the plus strand (G>A on the coding strand, the complement: ADGRB2 is on the minus strand). VCF-style: chr1-31738271-C-T. GRCh37 (hg19) VCF-style: chr1-32203872-C-T.
Other names: c.2701G>A (NM_001703.2); c.2701G>A, p.Ala901Thr (NM_001294335.2, NM_001294336.2); short protein forms A901T.
Identifiers: ClinVar variation 1465861 (VCV001465861.9), dbSNP rs1176380521, ClinGen allele CA339605601.
Genomic context (GRCh38, chr1:31,738,271, plus strand): 5'-GCGGCTGGGCTAGTACAGCAAAGGTGGACAGGTGCTGGCACTGGCAGCGGGTGTGAGCTG[C>T]CTGGGTCTCCAGGGTCTGGCAATTTTCAGTGTCCCAGTCTCCTGAGCTGGCATCTCTTGG-3'
Protein context (NP_001351786.1, residues 891-911): TENCQTLETQ[Ala901Thr]AHTRCQCQHL